The following is an entry in ClinVar:

ClinVar aggregate classification (germline): Pathogenic. Review status: criteria provided, multiple submitters, no conflicts (2 of 4 stars). 2 submissions from 2 submitters: Pathogenic (2). Last evaluated 2026-09-11.

Conditions:
Cardiovascular phenotype. Identifiers: MedGen CN230736.
Hereditary cancer-predisposing syndrome. Also called: Hereditary Cancer Syndrome; Tumor predisposition; Neoplastic Syndromes, Hereditary; Hereditary neoplastic syndrome. Identifiers: Orphanet 140162, MedGen C0027672, MeSH D009386, MONDO:0015356.
Neurofibromatosis, type 1 (NF1). Also called: NEUROFIBROMATOSIS, TYPE I, SOMATIC; Peripheral type neurofibromatosis; VON RECKLINGHAUSEN DISEASE; Neurofibromatosis, type I. Identifiers: Orphanet 636, MedGen C0027831, MONDO:0018975, OMIM 162200. Disease mechanism: loss of function.

Submissions (2):

Ambry Genetics
Classification: Pathogenic for Cardiovascular phenotype; Hereditary cancer-predisposing syndrome. Last evaluated: 2026-09-11. Review status: criteria provided, single submitter. Criteria: Ambry Variant Classification Scheme 2023. Collection method: clinical testing. Allele origin: germline.
Comment: The c.7031delA pathogenic mutation, located in coding exon 47 of the NF1 gene, results from a deletion of one nucleotide at nucleotide position 7031, causing a translational frameshift with a predicted alternate stop codon (p.N2344Ifs*31). This variant is considered to be rare based on population cohorts in the Genome Aggregation Database (gnomAD). This alteration is expected to result in loss of function by premature protein truncation or nonsense-mediated mRNA decay. As such, this alteration is interpreted as a disease-causing mutation.

Labcorp Genetics (formerly Invitae), Labcorp
Classification: Pathogenic for Neurofibromatosis, type 1. Last evaluated: 2024-10-08. Review status: criteria provided, single submitter. Criteria: Invitae Variant Classification Sherloc (09022015). Collection method: clinical testing. Allele origin: germline.
Comment: This sequence change creates a premature translational stop signal (p.Asn2344Ilefs*31) in the NF1 gene. It is expected to result in an absent or disrupted protein product. Loss-of-function variants in NF1 are known to be pathogenic (PMID: 10712197, 23913538). This variant is not present in population databases (gnomAD no frequency). This variant has not been reported in the literature in individuals affected with NF1-related conditions. ClinVar contains an entry for this variant (Variation ID: 1452917). For these reasons, this variant has been classified as Pathogenic.

Literature cited by the submitters: PubMed 10712197 (cited by Labcorp Genetics (formerly Invitae), Labcorp); PubMed 23913538 (cited by Labcorp Genetics (formerly Invitae), Labcorp).

NM_001042492.3(NF1):c.7094del (p.Asn2365fs)

Gene: NF1 (neurofibromin 1; plus strand). Cytogenetic location: 17q11.2.
Variant type: Deletion.
Coding change: c.7094del on transcript NM_001042492.3 (MANE Select); coding-DNA position 7094, one base deleted (A; older notation c.7094delA).
Protein change: p.Asn2365fs; shifts the reading frame from asparagine 2365.
Molecular consequence: frameshift variant.
Genome position (GRCh38, 1-based): chr17:31,343,040, A deleted; the last of 2 consecutive A bases (chr17:31,343,039-31,343,040); deleting either gives the same sequence. VCF-style (leftmost placement, unchanged base first): chr17-31343038-GA-G. GRCh37 (hg19) VCF-style: chr17-29670056-GA-G.
Other names: c.7031delA, p.Asn2344Ilefs (NM_000267.4); c.7031delA (NM_000267.3); short protein forms N2365fs, N2344fs.
Identifiers: ClinVar variation 1452917 (VCV001452917.7), dbSNP rs2151565023, ClinGen allele CA2573153904.